The following is an entry in ClinVar:

ClinVar aggregate classification (germline): Uncertain significance (1 of 4 stars; one submission).

gnomAD v4.1: 1 of 1,614,130 alleles (0.000062%); highest among the groups gnomAD compares: Non-Finnish European, 0.000085%; no homozygotes.

Submission:

GeneDx
Classification: Uncertain significance. Last evaluated: 2025-07-25. Review status: criteria provided, single submitter. Criteria: GeneDx Variant Classification Process June 2021. Collection method: clinical testing. Allele origin: germline. Affected: yes.
Comment: Not observed at significant frequency in large population cohorts (gnomAD); In silico analysis supports that this missense variant has a deleterious effect on protein structure/function; Has not been previously published as pathogenic or benign to our knowledge

NM_002805.6(PSMC5):c.346C>G (p.Leu116Val)

Gene: PSMC5 (proteasome 26S subunit, ATPase 5; plus strand). Cytogenetic location: 17q23.3.
Variant type: single nucleotide variant.
Coding change: c.346C>G on transcript NM_002805.6 (MANE Select); coding-DNA position 346, C replaced by G.
Protein change: p.Leu116Val; replaces leucine 116 with valine.
Molecular consequence: missense variant.
Genome position (GRCh38, 1-based): chr17:63,830,295, C>G. VCF-style: chr17-63830295-C-G. GRCh37 (hg19) VCF-style: chr17-61907655-C-G.
Other names: c.322C>G, p.Leu108Val (NM_001199163.2); short protein forms L108V, L116V.
Identifiers: ClinVar variation 4687037 (VCV004687037.1).
Genomic context (GRCh38, chr17:63,830,295, plus strand): 5'-ACTGTACCACTTCTGAAACTCGCCCCCTTCACCCAGGTGACACCCAATTGCCGGGTGGCT[C>G]TAAGGAATGACAGCTACACTCTGCACAAGATCCTGCCCAACAAGGTAGACCCATTAGTGT-3'
Protein context (NP_002796.4, residues 106-126): NDVTPNCRVA[Leu116Val]RNDSYTLHKI